The following is an entry in ClinVar:

ClinVar aggregate classification (germline): Pathogenic. Review status: criteria provided, multiple submitters, no conflicts (2 of 4 stars). 8 submissions from 8 submitters: Pathogenic (6). 2 of the submissions do not count toward it. Last evaluated 2026-01-14.

Conditions:
HEXA-related disorder. Also called: HEXA-related condition.
Tay-Sachs disease (TSD). Also called: HEXA DEFICIENCY; Hexosaminidase A Deficiency; HEXA Disorders; GM2 gangliosidosis, type 1; Hexosaminidase alpha-subunit deficiency (variant B); Sphingolipidosis, Tay-Sachs. Identifiers: Orphanet 845, MedGen C0039373, MONDO:0010100, OMIM 272800.

Allele frequency attached by ClinVar (database versions not stated): gnomAD exomes 0.00001 and 0.00002; gnomAD 0.00001; TOPMed 0.00001.
gnomAD v4.1: 31 of 1,613,928 alleles (0.0019%); highest among the groups gnomAD compares: Non-Finnish European, 0.0023%; no homozygotes.

Submissions (8):

Labcorp Genetics (formerly Invitae), Labcorp
Classification: Pathogenic for Tay-Sachs disease. Last evaluated: 2026-01-14. Review status: criteria provided, single submitter. Criteria: Invitae Variant Classification Sherloc (09022015). Collection method: clinical testing. Allele origin: germline.
Comment: This sequence change creates a premature translational stop signal (p.Arg393*) in the HEXA gene. It is expected to result in an absent or disrupted protein product. Loss-of-function variants in HEXA are known to be pathogenic (PMID: 1833974, 8490625). This variant is present in population databases (rs121907963, gnomAD 0.003%). This premature translational stop signal has been observed in individuals with hexosaminidase A deficiency (PMID: 1837283, 21796138, 24518553, 32968423). ClinVar contains an entry for this variant (Variation ID: 3905). For these reasons, this variant has been classified as Pathogenic.

Natera, Inc.
Classification: Pathogenic for Tay-Sachs disease. Last evaluated: 2025-11-20. Review status: criteria provided, single submitter. Criteria: Natera Variant Classification Schema (03/2026). Collection method: clinical testing. Allele origin: germline.
Comment: The c.1177C>T variant in HEXA is a nonsense variant predicted to introduce a stop codon at amino acid 393. This variant is expected to result in nonsense mediated decay, truncation, or a dysfunctional protein product. This variant is rare in the general population with a frequency below the threshold expected for the associated phenotype(s). This variant has been observed in one or more individuals affected with the associated recessive disease, as either homozygous or compound heterozygous with a second variant (PMID: 34554397). Given the available evidence, this variant is classified as Pathogenic.

PreventionGenetics, part of Exact Sciences
Classification: Pathogenic for HEXA-related condition. Last evaluated: 2025-01-22. Review status: criteria provided, single submitter. Criteria: ACMG Guidelines, 2015. Collection method: clinical testing. Allele origin: germline.
Comment: The HEXA c.1177C>T variant is predicted to result in premature protein termination (p.Arg393*). This variant has been reported in the homozygous state in individuals with Tay-Sachs disease (see for example Akli et al. 1991. PubMed ID: 1837283; Haghighi et al. 2011. PubMed ID: 21796138; Ashrafi et al. 2023. PubMed ID: 37597066; Naseer et al. 2020. PubMed ID: 32968423). In vitro analysis determined the c.1177C>T variant results in drastically reduced mRNA levels (<1%) (Table 3, Akli et al. 1991. PubMed ID: 1837283). This variant is reported in 0.0029% of alleles in individuals of Latino descent in gnomAD and is reported as likely pathogenic and pathogenic by numerous labs in ClinVar. Nonsense variants in HEXA are expected to be pathogenic. This variant is interpreted as pathogenic.

Women's Health and Genetics/Laboratory Corporation of America, LabCorp
Classification: Pathogenic for Tay-Sachs disease. Last evaluated: 2021-02-22. Review status: criteria provided, single submitter. Criteria: LabCorp Variant Classification Summary - May 2015. Collection method: clinical testing. Allele origin: germline.
Comment: Variant summary: HEXA c.1177C>T (p.Arg393X) results in a premature termination codon, predicted to cause a truncation of the encoded protein or absence of the protein due to nonsense mediated decay, which are commonly known mechanisms for disease. The variant allele was found at a frequency of 1.2e-05 in 251470 control chromosomes (gnomAD). c.1177C>T has been reported in the literature in multiple individuals (including several homozygous patients) affected with Tay-Sachs Disease (example: Akli_1991, Jamali_2014, Naseer_2020). These data indicate that the variant is very likely to be associated with disease. Akli et al report that northern blot analysis of fibroblasts derived from a patient homozygous for the variant showed no detectable level of mRNA (Akli_1991). Three ClinVar submitters (evaluation after 2014) cite the variant as pathogenic/likely pathogenic. Based on the evidence outlined above, the variant was classified as pathogenic.

Revvity Omics, Revvity
Classification: Pathogenic for Tay-Sachs disease. Last evaluated: 2019-02-13. Review status: criteria provided, single submitter. Criteria: ACMG Guidelines, 2015. Collection method: clinical testing. Allele origin: germline.

GeneDx
Classification: Pathogenic. Last evaluated: 2017-10-20. Review status: criteria provided, single submitter. Criteria: GeneDx Variant Classification (06012015). Collection method: clinical testing. Allele origin: germline. Affected: yes.
Comment: The R393X variant in the HEXA gene has been reported previously in association with infantile Tay-Sachs disease (Akli et al., 1991; Ozkara et al., 1998; Haghighi et al., 2011). This variant is predicted to cause loss of normal protein function either through protein truncation or nonsense-mediated mRNA decay. The R393X variant is not observed at a significant frequency in large population cohorts (Lek et al., 2016). We interpret R393X as a pathogenic variant.

Counsyl
Classification: Likely pathogenic for Tay-Sachs disease. Last evaluated: 2015-04-22. Review status: no assertion criteria provided. Collection method: clinical testing. Allele origin: unknown. Not counted in ClinVar's aggregate classification.

OMIM
Classification: Pathogenic for TAY-SACHS DISEASE. Last evaluated: 1991-09-01. Review status: no assertion criteria provided. Collection method: literature only. Allele origin: germline. Not counted in ClinVar's aggregate classification.

Literature cited by the submitters: PubMed 1833974 (cited by Labcorp Genetics (formerly Invitae), Labcorp); PubMed 8490625 (cited by Labcorp Genetics (formerly Invitae), Labcorp); PubMed 1837283 (cited by 4 submitters); PubMed 21796138 (cited by Labcorp Genetics (formerly Invitae), Labcorp); PubMed 24518553 (cited by 3 submitters); PubMed 32968423 (cited by Labcorp Genetics (formerly Invitae), Labcorp and Women's Health and Genetics/Laboratory Corporation of America, LabCorp); PubMed 34554397 (cited by Natera, Inc.).

NM_000520.6(HEXA):c.1177C>T (p.Arg393Ter)

Gene: HEXA (hexosaminidase subunit alpha; minus strand). Cytogenetic location: 15q23.
Variant type: single nucleotide variant.
Coding change: c.1177C>T on transcript NM_000520.6 (MANE Select); coding-DNA position 1177, C replaced by T.
Protein change: p.Arg393Ter; replaces arginine 393 with a stop codon.
Molecular consequence: nonsense.
Genome position (GRCh38, 1-based): chr15:72,346,680, G>A on the plus strand (C>T on the coding strand, the complement: HEXA is on the minus strand). VCF-style: chr15-72346680-G-A. GRCh37 (hg19) VCF-style: chr15-72639021-G-A.
Other names: c.1210C>T, p.Arg404Ter (NM_001318825.2); short protein forms R393*, R404*.
Identifiers: ClinVar variation 3905 (VCV000003905.190), dbSNP rs121907963, ClinGen allele CA252916.
Genomic context (GRCh38, chr15:72,346,680, plus strand): 5'-GGAAGCCGGCCTTGGTGACCAGTTCCAGCTCCTTCATATAGTTCACTGGAATATCCTCTC[G>A]CCACACCTGTATGATTGTGTCTGGCTGAATCTGTTATAAAAGGTCAAATGGCAGTAAGGA-3'